The following is an entry in ClinVar:

ClinVar aggregate classification (germline): Conflicting classifications of pathogenicity. Review status: criteria provided, conflicting classifications (1 of 4 stars). 9 submissions from 5 submitters: Uncertain significance (5); Benign (2); Likely benign (2). Last evaluated 2026-08-05.

Conditions:
Dilated cardiomyopathy 1G (CMD1G). Identifiers: Orphanet 154, MedGen C1858763, MONDO:0011400, OMIM 604145.
Cardiovascular phenotype. Identifiers: MedGen CN230736.
Myopathy, myofibrillar, 9, with early respiratory failure (MFM9). Also called: MYOPATHY, PROXIMAL, WITH EARLY RESPIRATORY MUSCLE INVOLVEMENT; Hereditary myopathy with early respiratory failure; Myopathy, distal, with early respiratory failure, autosomal dominant; EDSTROM MYOPATHY. Identifiers: Orphanet 178464, Orphanet 34521, MedGen C1863599, MONDO:0011362, OMIM 603689.
Autosomal recessive limb-girdle muscular dystrophy type 2J (LGMDR10). Also called: Limb-girdle muscular dystrophy, type 2J; MUSCULAR DYSTROPHY, LIMB-GIRDLE, AUTOSOMAL RECESSIVE 10. Identifiers: Orphanet 140922, MedGen C1837342, MONDO:0012127, OMIM 608807.
Tibial muscular dystrophy (TMD). Also called: UDD MYOPATHY; Tibial muscular dystrophy, tardive; Udd Distal Myopathy – Tibial Muscular Dystrophy. Identifiers: Orphanet 609, MedGen C1838244, MONDO:0010870, OMIM 600334.
TTN-related disorder. Also called: TTN-related disorders; TTN-related condition; TTN-related disease.
Early-onset myopathy with fatal cardiomyopathy (CMYO5). Also called: Salih Myopathy; CONGENITAL MYOPATHY 5 WITH CARDIOMYOPATHY. Identifiers: Orphanet 289377, MedGen C2673677, MONDO:0012714, OMIM 611705. Disease mechanism: loss of function.

Allele frequency attached by ClinVar (database versions not stated): TOPMed 0.00004; ExAC 0.00007; gnomAD exomes 0.00008; gnomAD 0.00009; ESP Exome Variant Server 0.00017; 1000 Genomes Project 0.00020; 1000 Genomes Project 30x 0.00031.
gnomAD v4.1: 127 of 1,613,946 alleles (0.0079%); highest among the groups gnomAD compares: Admixed American, 0.012%; no homozygotes.

Submissions (9):

PreventionGenetics, part of Exact Sciences
Classification: Uncertain significance for TTN-related condition. Last evaluated: 2026-08-05. Review status: criteria provided, single submitter. Criteria: ACMG Guidelines, 2015. Collection method: clinical testing. Allele origin: germline.
Comment: The TTN c.103993C>G variant is predicted to result in the amino acid substitution p.Leu34665Val. To our knowledge, this variant has not been reported in the literature. This variant is reported in 0.012% of alleles in individuals of European (Non-Finnish) descent in gnomAD. At this time, the clinical significance of this variant is uncertain due to the absence of conclusive functional and genetic evidence.

Blueprint Genetics
Classification: Likely benign. Last evaluated: 2023-11-30. Review status: criteria provided, single submitter. Criteria: ACMG Guidelines, 2015. Collection method: clinical testing. Allele origin: germline.

GeneDx
Classification: Likely benign. Last evaluated: 2019-09-17. Review status: criteria provided, single submitter. Criteria: GeneDx Variant Classification Process June 2021. Collection method: clinical testing. Allele origin: germline. Affected: yes.

Ambry Genetics
Classification: Uncertain significance for Cardiovascular phenotype. Last evaluated: 2018-11-26. Review status: criteria provided, single submitter. Criteria: Ambry Variant Classification Scheme 2023. Collection method: clinical testing. Allele origin: germline.
Comment: The p.L25600V variant (also known as c.76798C>G), located in coding exon 185 of the TTN gene, results from a C to G substitution at nucleotide position 76798. The leucine at codon 25600 is replaced by valine, an amino acid with highly similar properties. This amino acid position is highly conserved in available vertebrate species. In addition, this alteration is predicted to be tolerated by in silico analysis. Since supporting evidence is limited at this time, the clinical significance of this alteration remains unclear.

Illumina Laboratory Services, Illumina
Classification: Benign for Tibial muscular dystrophy. Last evaluated: 2018-01-12. Review status: criteria provided, single submitter. Criteria: ICSL Variant Classification Criteria 13 December 2019. Collection method: clinical testing. Allele origin: germline.
Comment: This variant was observed in the ICSL laboratory as part of a predisposition screen in an ostensibly healthy population. It had not been previously curated by ICSL or reported in the Human Gene Mutation Database (HGMD: prior to June 1st, 2018), and was therefore a candidate for classification through an automated scoring system. Utilizing variant allele frequency, disease prevalence and penetrance estimates, and inheritance mode, an automated score was calculated to assess if this variant is too frequent to cause the disease. Based on the score and internal cut-off values, a variant classified as benign is not then subjected to further curation. The score for this variant resulted in a classification of benign for this disease.

Illumina Laboratory Services, Illumina
Classification: Uncertain significance for Dilated cardiomyopathy 1G. Last evaluated: 2018-01-12. Review status: criteria provided, single submitter. Criteria: ICSL Variant Classification Criteria 13 December 2019. Collection method: clinical testing. Allele origin: germline.

Illumina Laboratory Services, Illumina
Classification: Uncertain significance for Autosomal recessive limb-girdle muscular dystrophy type 2J. Last evaluated: 2018-01-12. Review status: criteria provided, single submitter. Criteria: ICSL Variant Classification Criteria 13 December 2019. Collection method: clinical testing. Allele origin: germline.

Illumina Laboratory Services, Illumina
Classification: Benign for Myopathy, myofibrillar, 9, with early respiratory failure. Last evaluated: 2018-01-12. Review status: criteria provided, single submitter. Criteria: ICSL Variant Classification Criteria 13 December 2019. Collection method: clinical testing. Allele origin: germline.
Comment: the same text as in the submission from Illumina Laboratory Services, Illumina above.

Illumina Laboratory Services, Illumina
Classification: Uncertain significance for Early-onset myopathy with fatal cardiomyopathy. Last evaluated: 2018-01-12. Review status: criteria provided, single submitter. Criteria: ICSL Variant Classification Criteria 13 December 2019. Collection method: clinical testing. Allele origin: germline.

NM_001267550.2(TTN):c.103993C>G (p.Leu34665Val)

Genes: TTN-AS1 (TTN antisense RNA 1; plus strand), TTN (titin; minus strand). Cytogenetic location: 2q31.2.
Variant type: single nucleotide variant.
Coding change: c.103993C>G on transcript NM_001267550.2 (MANE Select); coding-DNA position 103993, C replaced by G.
Protein change: p.Leu34665Val; replaces leucine 34665 with valine.
Molecular consequence: missense variant.
Genome position (GRCh38, 1-based): chr2:178,532,622, G>C on the plus strand (C>G on the coding strand, the complement: TTN is on the minus strand). VCF-style: chr2-178532622-G-C. GRCh37 (hg19) VCF-style: chr2-179397349-G-C.
Other names: c.99070C>G, p.Leu33024Val (NM_001256850.1); c.76798C>G, p.Leu25600Val (NM_003319.4); c.96289C>G, p.Leu32097Val (NM_133378.4); c.77173C>G, p.Leu25725Val (NM_133432.3); c.77374C>G, p.Leu25792Val (NM_133437.4); short protein forms L32097V, L34665V, L33024V, L25600V, L25725V, L25792V.
Identifiers: ClinVar variation 332694 (VCV000332694.12), dbSNP rs370890922, ClinGen allele CA1985506.